The following is an entry in ClinVar:

ClinVar aggregate classification (germline): Conflicting classifications of pathogenicity. Review status: criteria provided, conflicting classifications (1 of 4 stars). 2 submissions from 2 submitters: Uncertain significance (1); Likely benign (1). Last evaluated 2025-10-04.

Conditions:
Ehlers-Danlos syndrome, classic type, 1 (EDSCL1). Also called: EHLERS-DANLOS SYNDROME, GRAVIS TYPE; EHLERS-DANLOS SYNDROME, SEVERE CLASSIC TYPE; Ehlers-Danlos Syndrome, Classic Type, COL5A1-Related; EDS I; Ehlers-Danlos syndrome, type 1. Identifiers: MedGen C0268335, MONDO:0019567, OMIM 130000.

Allele frequency attached by ClinVar (database versions not stated): gnomAD exomes below 0.00001.

Submissions (2):

Labcorp Genetics (formerly Invitae), Labcorp
Classification: Likely benign for Ehlers-Danlos syndrome, classic type, 1. Last evaluated: 2025-10-04. Review status: criteria provided, single submitter. Criteria: Invitae Variant Classification Sherloc (09022015). Collection method: clinical testing. Allele origin: germline.

GeneDx
Classification: Uncertain significance. Last evaluated: 2024-02-13. Review status: criteria provided, single submitter. Criteria: GeneDx Variant Classification Process June 2021. Collection method: clinical testing. Allele origin: germline. Affected: yes.
Comment: Has not been previously published as pathogenic or benign to our knowledge; Not observed at significant frequency in large population cohorts (gnomAD); In silico analysis supports that this missense variant has a deleterious effect on protein structure/function

NM_000393.5(COL5A2):c.1228C>T (p.Pro410Ser)

Gene: COL5A2 (collagen type V alpha 2 chain; minus strand). Cytogenetic location: 2q32.2.
Variant type: single nucleotide variant.
Coding change: c.1228C>T on transcript NM_000393.5 (MANE Select); coding-DNA position 1228, C replaced by T.
Protein change: p.Pro410Ser; replaces proline 410 with serine.
Molecular consequence: missense variant.
Genome position (GRCh38, 1-based): chr2:189,068,815, G>A on the plus strand (C>T on the coding strand, the complement: COL5A2 is on the minus strand). VCF-style: chr2-189068815-G-A. GRCh37 (hg19) VCF-style: chr2-189933541-G-A.
Other names: short protein forms P410S.
Identifiers: ClinVar variation 392252 (VCV000392252.12), dbSNP rs1042644306, ClinGen allele CA16604077.